The following is an entry in ClinVar:

NM_001377265.1(MAPT):c.1757G>A (p.Arg586His)

Gene: MAPT (microtubule associated protein tau). Cytogenetic location: 17q21.31.
Variant type: single nucleotide variant.
Coding change: c.1757G>A on transcript NM_001377265.1 (MANE Select); coding-DNA position 1757, G replaced by A.
Protein change: p.Arg586His; replaces arginine 586 with histidine.
Molecular consequence: missense variant.
Genome position (GRCh38, 1-based): chr17:45,996,423, G>A. VCF-style: chr17-45996423-G-A. GRCh37 (hg19) VCF-style: chr17-44073789-G-A.
Other names: c.1586G>A, p.Arg529His (NM_001123066.4); c.494G>A, p.Arg165His (NM_001123067.4, NM_001203251.2, NM_001377267.1); c.581G>A, p.Arg194His (NM_001203252.2, NM_005910.6); c.1559G>A, p.Arg520His (NM_001377266.1); c.407G>A, p.Arg136His (NM_001377268.1, NM_016834.5, NM_016841.5); c.1532G>A, p.Arg511His (NM_016835.5); short protein forms R194H, R165H, R520H, R529H, R586H, R136H, R511H.
Identifiers: ClinVar variation 3631746 (VCV003631746.2).

ClinVar aggregate classification (germline): Uncertain significance (1 of 4 stars; one submission).

Conditions:
Frontotemporal dementia (FTD1). Also called: FRONTOTEMPORAL DEMENTIA WITH PARKINSONISM; FRONTOTEMPORAL LOBAR DEGENERATION WITH TAU INCLUSIONS; FTLD WITH TAU INCLUSIONS; Frontotemporal Dementia with Parkinsonism-17 (FTDP-17); FRONTOTEMPORAL LOBE DEMENTIA; MULTIPLE SYSTEM TAUOPATHY WITH PRESENILE DEMENTIA. Identifiers: Orphanet 282, MedGen C0338451, MONDO:0017276, OMIM 600274, HP:0002145.

gnomAD v4.1: 42 of 1,612,572 alleles (0.0026%); highest among the groups gnomAD compares: Non-Finnish European, 0.0032%; no homozygotes.

Submission:

Labcorp Genetics (formerly Invitae), Labcorp
Classification: Uncertain significance for Frontotemporal dementia. Last evaluated: 2024-05-14. Review status: criteria provided, single submitter. Criteria: Invitae Variant Classification Sherloc (09022015). Collection method: clinical testing. Allele origin: germline.
Comment: This sequence change replaces arginine, which is basic and polar, with histidine, which is basic and polar, at codon 194 of the MAPT protein (p.Arg194His). This variant is present in population databases (rs143334682, gnomAD 0.01%). This missense change has been observed in individual(s) with early-onset frontotemporal dementia (PMID: 30279455). Advanced modeling of protein sequence and biophysical properties (such as structural, functional, and spatial information, amino acid conservation, physicochemical variation, residue mobility, and thermodynamic stability) performed at Invitae indicates that this missense variant is not expected to disrupt MAPT protein function with a negative predictive value of 80%. In summary, the available evidence is currently insufficient to determine the role of this variant in disease. Therefore, it has been classified as a Variant of Uncertain Significance.

Literature cited by the submitters: PubMed 30279455.